The following is an entry in ClinVar:

NM_000051.4(ATM):c.7125del (p.Ser2375fs)

Genes: C11orf65 (chromosome 11 open reading frame 65; minus strand), ATM (ATM serine/threonine kinase; plus strand). Cytogenetic location: 11q22.3.
Variant type: Deletion.
Coding change: c.7125del on transcript NM_000051.4 (MANE Select); coding-DNA position 7125, one base deleted (T; older notation c.7125delT).
Protein change: p.Ser2375fs; shifts the reading frame from serine 2375.
Molecular consequence: frameshift variant. On other transcripts: intron variant (2).
Genome position (GRCh38, 1-based): chr11:108,329,056, T deleted. VCF-style (leftmost placement, unchanged base first): chr11-108329055-GT-G. GRCh37 (hg19) VCF-style: chr11-108199782-GT-G.
Other names: c.7125del, p.Ser2375fs (NM_001351834.2); c.641-19985del (NM_001330368.2); c.*38+6164del (NM_001351110.2); short protein forms S2375fs.
Identifiers: ClinVar variation 1074241 (VCV001074241.7), dbSNP rs2136412237, ClinGen allele CA2499220706.

ClinVar aggregate classification (germline): Pathogenic (1 of 4 stars; one submission).

Conditions:
Ataxia-telangiectasia syndrome (AT). Also called: Ataxia telangiectasia (A-T); ATAXIA-TELANGIECTASIA, COMPLEMENTATION GROUP A; ATAXIA-TELANGIECTASIA, FRESNO VARIANT; Ataxia-telangiectasia; Ataxia-telangiectasia, complementation group E; LOUIS-BAR SYNDROME. Identifiers: Orphanet 100, MedGen C0004135, MONDO:0008840, OMIM 208900.

Submission:

Labcorp Genetics (formerly Invitae), Labcorp
Classification: Pathogenic for Ataxia-telangiectasia syndrome. Last evaluated: 2020-10-21. Review status: criteria provided, single submitter. Criteria: Invitae Variant Classification Sherloc (09022015). Collection method: clinical testing. Allele origin: germline.
Comment: This sequence change creates a premature translational stop signal (p.Ser2375Argfs*5) in the ATM gene. It is expected to result in an absent or disrupted protein product. Loss-of-function variants in ATM are known to be pathogenic (PMID: 23807571, 25614872). This variant is not present in population databases (ExAC no frequency). This variant has not been reported in the literature in individuals with ATM-related conditions. For these reasons, this variant has been classified as Pathogenic.

Literature cited by the submitters: PubMed 23807571; PubMed 25614872.